The following is an entry in ClinVar:

NM_001042545.2(LTBP4):c.1390A>G (p.Ile464Val)

Gene: LTBP4 (latent transforming growth factor beta binding protein 4; plus strand). Cytogenetic location: 19q13.2.
Variant type: single nucleotide variant.
Coding change: c.1390A>G on transcript NM_001042545.2 (MANE Select); coding-DNA position 1390, A replaced by G.
Protein change: p.Ile464Val; replaces isoleucine 464 with valine.
Molecular consequence: missense variant.
Genome position (GRCh38, 1-based): chr19:40,608,567, A>G. VCF-style: chr19-40608567-A-G. GRCh37 (hg19) VCF-style: chr19-41114473-A-G.
Other names: c.1591A>G, p.Ile531Val (NM_001042544.1); c.1480A>G, p.Ile494Val (NM_003573.2); short protein forms I531V, I494V, I464V.
Identifiers: ClinVar variation 3664379 (VCV003664379.2).

ClinVar aggregate classification (germline): Uncertain significance (1 of 4 stars; one submission).

gnomAD v4.1: 9 of 1,602,680 alleles (0.00056%); highest among the groups gnomAD compares: Non-Finnish European, 0.00068%; no homozygotes.

Submission:

Labcorp Genetics (formerly Invitae), Labcorp
Classification: Uncertain significance. Last evaluated: 2024-09-09. Review status: criteria provided, single submitter. Criteria: Invitae Variant Classification Sherloc (09022015). Collection method: clinical testing. Allele origin: germline.
Comment: This sequence change replaces isoleucine, which is neutral and non-polar, with valine, which is neutral and non-polar, at codon 494 of the LTBP4 protein (p.Ile494Val). This variant is not present in population databases (gnomAD no frequency). This variant has not been reported in the literature in individuals affected with LTBP4-related conditions. Experimental studies and prediction algorithms are not available or were not evaluated, and the functional significance of this variant is currently unknown. In summary, the available evidence is currently insufficient to determine the role of this variant in disease. Therefore, it has been classified as a Variant of Uncertain Significance.